The following is an entry in ClinVar:

NM_000182.5(HADHA):c.2132C>T (p.Pro711Leu)

Genes: GAREM2 (GRB2 associated regulator of MAPK1 subtype 2; plus strand), HADHA (hydroxyacyl-CoA dehydrogenase trifunctional multienzyme complex subunit alpha; minus strand). Cytogenetic location: 2p23.3.
Variant type: single nucleotide variant.
Coding change: c.2132C>T on transcript NM_000182.5 (MANE Select); coding-DNA position 2132, C replaced by T.
Protein change: p.Pro711Leu; replaces proline 711 with leucine.
Molecular consequence: missense variant.
Genome position (GRCh38, 1-based): chr2:26,191,497, G>A on the plus strand (C>T on the coding strand, the complement: HADHA is on the minus strand). VCF-style: chr2-26191497-G-A. GRCh37 (hg19) VCF-style: chr2-26414366-G-A.
Other names: short protein forms P711L.
Identifiers: ClinVar variation 4852411 (VCV004852411.2).
Genomic context (GRCh38, chr2:26,191,497, plus strand): 5'-GGGCTCCAGGCTAAAGTGAGCTTCCTTCCCAACCTGCGAGACCAACCTCCCAGACAAGGC[G>A]GGAAGCCAAGCCCAAAGACGGCTCCGATGTCTCCCTCTGCAGGTGTGGCCAAGATCCCCT-3'
Protein context (NP_000173.2, residues 701-721): DIGAVFGLGF[Pro711Leu]PCLGGPFRFV

ClinVar aggregate classification (germline): Conflicting classifications of pathogenicity. Review status: criteria provided, conflicting classifications (1 of 4 stars). 2 submissions from 2 submitters: Likely pathogenic (1); Uncertain significance (1). Last evaluated 2026-07-14.

Conditions:
Long chain 3-hydroxyacyl-CoA dehydrogenase deficiency. Also called: LCHAD Deficiency; Deficiency of long-chain 3-hydroxyacyl-coenzyme A dehydrogenase. Identifiers: Orphanet 5, MedGen C3711645, MONDO:0012173, OMIM 609016.

gnomAD v4.1: 30 of 1,614,188 alleles (0.0019%); highest among the groups gnomAD compares: South Asian, 0.0044%; no homozygotes.

Submissions (2):

Myriad Genetics, Inc.
Classification: Uncertain significance for Long chain 3-hydroxyacyl-CoA dehydrogenase deficiency. Last evaluated: 2026-07-14. Review status: criteria provided, single submitter. Criteria: Myriad Autosomal Dominant, Autosomal Recessive and X-Linked Classification Criteria (2023). Collection method: clinical testing. Allele origin: unknown.
Comment: NM_000182.4(HADHA):c.2132C>T(P711L) is a missense variant classified as a variant of uncertain significance in the context of HADHA-related disorders. P711L has been observed in cases with relevant disease (PMID: 39360520). Relevant functional assessments of this variant are not available in the literature. P711L has been observed in referenced population frequency databases. In summary, there is insufficient evidence to classify NM_000182.4(HADHA):c.2132C>T(P711L) as pathogenic or benign. Please note: this variant was assessed in the context of healthy population screening.

Department of Genetics, Sultan Qaboos University Hospital
Classification: Likely pathogenic for Long chain 3-hydroxyacyl-CoA dehydrogenase deficiency. Last evaluated: 2026-04-01. Review status: criteria provided, single submitter. Criteria: ACMG Guidelines, 2015. Collection method: clinical testing. Allele origin: germline. Affected: yes. Observed: 1 variant allele.
Comment: PM2_Supporting, PP3_Moderate, PP1_Strong, PP4_Supporting

Literature cited by the submitters: PubMed 39360520 (cited by Myriad Genetics, Inc.).